The following is an entry in ClinVar:

NM_201596.3(CACNB2):c.1885A>G (p.Lys629Glu)

Gene: CACNB2 (calcium voltage-gated channel auxiliary subunit beta 2; plus strand). Cytogenetic location: 10p12.31.
Variant type: single nucleotide variant.
Coding change: c.1885A>G on transcript NM_201596.3 (MANE Select); coding-DNA position 1885, A replaced by G.
Protein change: p.Lys629Glu; replaces lysine 629 with glutamic acid.
Molecular consequence: missense variant.
Genome position (GRCh38, 1-based): chr10:18,539,626, A>G. VCF-style: chr10-18539626-A-G. GRCh37 (hg19) VCF-style: chr10-18828555-A-G.
Other names: c.1720A>G, p.Lys574Glu (NM_000724.4); c.1687A>G, p.Lys563Glu (NM_001167945.2); c.1606A>G, p.Lys536Glu (NM_001330060.2); c.1741A>G, p.Lys581Glu (NM_201570.3); c.1801A>G, p.Lys601Glu (NM_201571.4); c.1729A>G, p.Lys577Glu (NM_201572.4); c.1723A>G, p.Lys575Glu (NM_201590.3); c.1771A>G, p.Lys591Glu (NM_201593.3); and 1 more; short protein forms K563E, K574E, K575E, K577E, K581E, K601E, K629E, K536E.
Identifiers: ClinVar variation 959493 (VCV000959493.9), dbSNP rs1554843156, ClinGen allele CA376072750.

ClinVar aggregate classification (germline): Uncertain significance (1 of 4 stars; one submission).

Conditions:
Brugada syndrome 4 (BRGDA4). Identifiers: Orphanet 130, MedGen C2678477, MONDO:0012743, OMIM 611876.

Submission:

Labcorp Genetics (formerly Invitae), Labcorp
Classification: Uncertain significance for Brugada syndrome 4. Last evaluated: 2022-03-09. Review status: criteria provided, single submitter. Criteria: Invitae Variant Classification Sherloc (09022015). Collection method: clinical testing. Allele origin: germline.
Comment: In summary, the available evidence is currently insufficient to determine the role of this variant in disease. Therefore, it has been classified as a Variant of Uncertain Significance. Algorithms developed to predict the effect of missense changes on protein structure and function are either unavailable or do not agree on the potential impact of this missense change (SIFT: "Deleterious"; PolyPhen-2: "Possibly Damaging"; Align-GVGD: "Class C0"). ClinVar contains an entry for this variant (Variation ID: 959493). This variant has not been reported in the literature in individuals affected with CACNB2-related conditions. This variant is not present in population databases (gnomAD no frequency). This sequence change replaces lysine, which is basic and polar, with glutamic acid, which is acidic and polar, at codon 575 of the CACNB2 protein (p.Lys575Glu).